The following is an entry in ClinVar:

NM_198834.3(ACACA):c.2515G>A (p.Val839Ile)

Gene: ACACA (acetyl-CoA carboxylase alpha; minus strand). Cytogenetic location: 17q12.
Variant type: single nucleotide variant.
Coding change: c.2515G>A on transcript NM_198834.3 (MANE Select); coding-DNA position 2515, G replaced by A.
Protein change: p.Val839Ile; replaces valine 839 with isoleucine.
Molecular consequence: missense variant.
Genome position (GRCh38, 1-based): chr17:37,245,160, C>T on the plus strand (G>A on the coding strand, the complement: ACACA is on the minus strand). VCF-style: chr17-37245160-C-T. GRCh37 (hg19) VCF-style: chr17-35602076-C-T.
Other names: c.2404G>A, p.Val802Ile (NM_198836.3, NM_198839.3); c.2230G>A, p.Val744Ile (NM_198837.2); c.2170G>A, p.Val724Ile (NM_198838.2); short protein forms V724I, V839I, V744I, V802I.
Identifiers: ClinVar variation 3456017 (VCV003456017.2).

ClinVar aggregate classification (germline): Uncertain significance. Review status: criteria provided, multiple submitters, no conflicts (2 of 4 stars). 2 submissions from 2 submitters: Uncertain significance (2). Last evaluated 2026-01-26.

gnomAD v4.1: 33 of 1,614,034 alleles (0.002%); highest among the groups gnomAD compares: Admixed American, 0.0033%; no homozygotes.

Submissions (2):

Labcorp Genetics (formerly Invitae), Labcorp
Classification: Uncertain significance. Last evaluated: 2026-01-26. Review status: criteria provided, single submitter. Criteria: Invitae Variant Classification Sherloc (09022015). Collection method: clinical testing. Allele origin: germline.
Comment: This sequence change replaces valine, which is neutral and non-polar, with isoleucine, which is neutral and non-polar, at codon 802 of the ACACA protein (p.Val802Ile). This variant is present in population databases (rs774933750, gnomAD 0.003%). This variant has not been reported in the literature in individuals affected with ACACA-related conditions. ClinVar contains an entry for this variant (Variation ID: 3456017). An algorithm developed to predict the effect of missense changes on protein structure and function (PolyPhen-2) suggests that this variant is likely to be tolerated. In summary, the available evidence is currently insufficient to determine the role of this variant in disease. Therefore, it has been classified as a Variant of Uncertain Significance.

Ambry Genetics
Classification: Uncertain significance. Last evaluated: 2024-12-06. Review status: criteria provided, single submitter. Criteria: Ambry Variant Classification Scheme 2023. Collection method: clinical testing. Allele origin: germline.